The following is an entry in ClinVar:

NM_007254.4(PNKP):c.1287_1298+1dup

Gene: PNKP (polynucleotide kinase 3'-phosphatase; minus strand). Cytogenetic location: 19q13.33.
Variant type: Duplication.
Coding change: c.1287_1298+1dup on transcript NM_007254.4 (MANE Select); coding-DNA position 1287 through the canonical splice donor site of the intron after coding-DNA position 1298, 13 bases duplicated (GAGCCGCGCCAGG).
Molecular consequence: splice donor variant.
Genome position (GRCh38, 1-based): chr19:49,861,771-49,861,783, CCTGGCGCGGCTC duplicated on the plus strand (GAGCCGCGCCAGG on the coding strand, the reverse complement: PNKP is on the minus strand). VCF-style (leftmost placement, unchanged base first): chr19-49861770-A-ACCTGGCGCGGCTC. GRCh37 (hg19) VCF-style: chr19-50365027-A-ACCTGGCGCGGCTC.
Identifiers: ClinVar variation 423082 (VCV000423082.2), dbSNP rs1555810849, ClinGen allele CA16620874.
Genomic context (GRCh38, chr19:49,861,770, plus strand): 5'-GCTGGATGTGCAGGCCCCGCCCACCCCGCCGCAGGCCACCTACGGCCCCGCGGTCACGCT[A>ACCTGGCGCGGCTC]CCTGGCGCGGCTCGCGGCGTCTGGGTTTGTGTTGTCGATGGCGACCCGTTTCCCTTGCTT-3'

ClinVar aggregate classification (germline): Likely pathogenic (1 of 4 stars; one submission).

Submission:

GeneDx
Classification: Likely pathogenic. Last evaluated: 2019-05-29. Review status: criteria provided, single submitter. Criteria: GeneDx Variant Classification Process June 2021. Collection method: clinical testing. Allele origin: germline. Affected: yes.
Comment: Canonical splice site variant in a gene for which loss-of-function is a known mechanism of disease; Not observed in large population cohorts (Lek et al., 2016)